The following is an entry in ClinVar:

NM_001330078.2(NRXN1):c.2132C>G (p.Ser711Cys)

Gene: NRXN1 (neurexin 1; minus strand). Cytogenetic location: 2p16.3.
Variant type: single nucleotide variant.
Coding change: c.2132C>G on transcript NM_001330078.2 (MANE Select); coding-DNA position 2132, C replaced by G.
Protein change: p.Ser711Cys; replaces serine 711 with cysteine.
Molecular consequence: missense variant.
Genome position (GRCh38, 1-based): chr2:50,538,264, G>C on the plus strand (C>G on the coding strand, the complement: NRXN1 is on the minus strand). VCF-style: chr2-50538264-G-C. GRCh37 (hg19) VCF-style: chr2-50765402-G-C.
Other names: c.2252C>G, p.Ser751Cys (NM_001135659.3); c.2108C>G, p.Ser703Cys (NM_001330077.2, NM_001330082.2, NM_001330095.2); c.2093C>G, p.Ser698Cys (NM_001330083.2, NM_001330084.2); c.2132C>G, p.Ser711Cys (NM_001330085.2, NM_001330086.2, NM_004801.6); c.2048C>G, p.Ser683Cys (NM_001330087.2, NM_001330096.2); c.2078C>G, p.Ser693Cys (NM_001330088.2); c.2129C>G, p.Ser710Cys (NM_001330093.2); c.2120C>G, p.Ser707Cys (NM_001330094.2); short protein forms S693C, S751C, S683C, S698C, S707C, S710C, S711C, S703C.
Identifiers: ClinVar variation 970856 (VCV000970856.1), dbSNP rs1558901426, ClinGen allele CA346770045.
Genomic context (GRCh38, chr2:50,538,264, plus strand): 5'-ATAAACTTTTCATCTCAGGGAGTTGGCTGCTGGGGTTTTAGAATCCTACCTCTCTCACAG[G>C]ACCTGCCAAGATAGCCTGTTCCGGAACAATCACAGACATATCTGTTCCACCCATCCCTGC-3'
Protein context (NP_001317007.1, residues 701-721): DCSGTGYLGR[Ser711Cys]CEREATVLSY

ClinVar aggregate classification (germline): Uncertain significance (1 of 4 stars; one submission).

Conditions:
Pitt-Hopkins-like syndrome 2 (PTHSL2). Identifiers: Orphanet 221150, Orphanet 600663, MedGen C3280479, MONDO:0013690, OMIM 614325.

Submission:

Labcorp Genetics (formerly Invitae), Labcorp
Classification: Uncertain significance for Pitt-Hopkins-like syndrome 2. Last evaluated: 2019-10-28. Review status: criteria provided, single submitter. Criteria: Invitae Variant Classification Sherloc (09022015). Collection method: clinical testing. Allele origin: germline.
Comment: This sequence change replaces serine with cysteine at codon 751 of the NRXN1 protein (p.Ser751Cys). The serine residue is highly conserved and there is a moderate physicochemical difference between serine and cysteine. This variant is not present in population databases (ExAC no frequency). This variant has not been reported in the literature in individuals with NRXN1-related conditions. Algorithms developed to predict the effect of missense changes on protein structure and function are either unavailable or do not agree on the potential impact of this missense change (SIFT: "Deleterious"; PolyPhen-2: "Probably Damaging"; Align-GVGD: "Class C15"). In summary, the available evidence is currently insufficient to determine the role of this variant in disease. Therefore, it has been classified as a Variant of Uncertain Significance.